The following is an entry in ClinVar:

ClinVar aggregate classification (germline): Uncertain significance (1 of 4 stars; one submission).

gnomAD v4.1: 8 of 1,613,108 alleles (0.0005%); highest among the groups gnomAD compares: Middle Eastern, 0.066%; no homozygotes.

Submission:

Labcorp Genetics (formerly Invitae), Labcorp
Classification: Uncertain significance. Last evaluated: 2024-06-13. Review status: criteria provided, single submitter. Criteria: Invitae Variant Classification Sherloc (09022015). Collection method: clinical testing. Allele origin: germline.
Comment: This sequence change creates a premature translational stop signal (p.Ser944*) in the ITGAM gene. It is expected to result in an absent or disrupted protein product. However, the current clinical and genetic evidence is not sufficient to establish whether loss-of-function variants in ITGAM cause disease. This variant is present in population databases (no rsID available, gnomAD 0.002%). This variant has not been reported in the literature in individuals affected with ITGAM-related conditions. In summary, the available evidence is currently insufficient to determine the role of this variant in disease. Therefore, it has been classified as a Variant of Uncertain Significance.

NM_000632.4(ITGAM):c.2831C>A (p.Ser944Ter)

Gene: ITGAM (integrin subunit alpha M; plus strand). Cytogenetic location: 16p11.2.
Variant type: single nucleotide variant.
Coding change: c.2831C>A on transcript NM_000632.4 (MANE Select); coding-DNA position 2831, C replaced by A.
Protein change: p.Ser944Ter; replaces serine 944 with a stop codon.
Molecular consequence: nonsense.
Genome position (GRCh38, 1-based): chr16:31,329,266, C>A. VCF-style: chr16-31329266-C-A. GRCh37 (hg19) VCF-style: chr16-31340587-C-A.
Other names: c.2834C>A, p.Ser945Ter (NM_001145808.2); short protein forms S944*, S945*.
Identifiers: ClinVar variation 3702110 (VCV003702110.2).